The following is an entry in ClinVar:

NM_006231.4(POLE):c.1266T>A (p.His422Gln)

Gene: POLE (DNA polymerase epsilon, catalytic subunit; minus strand). Cytogenetic location: 12q24.33.
Variant type: single nucleotide variant.
Coding change: c.1266T>A on transcript NM_006231.4 (MANE Select); coding-DNA position 1266, T replaced by A.
Protein change: p.His422Gln; replaces histidine 422 with glutamine.
Molecular consequence: missense variant.
Genome position (GRCh38, 1-based): chr12:132,673,668, A>T on the plus strand (T>A on the coding strand, the complement: POLE is on the minus strand). VCF-style: chr12-132673668-A-T. GRCh37 (hg19) VCF-style: chr12-133250254-A-T.
Other names: short protein forms H422Q.
Identifiers: ClinVar variation 1764317 (VCV001764317.2), dbSNP rs2136000304, ClinGen allele CA387359564.
Genomic context (GRCh38, chr12:132,673,668, plus strand): 5'-CTCCGGGTCTAGCTCCACGGGATCATAGCCTAGCTTGGCCTTGGCGGCCGCCTTGAGATT[A>T]TGACTGCCCACAGGAAGGTAACTGTCCCTCTTCACCCACCTGGAAGGAGAATGAGAACAG-3'
Protein context (NP_006222.2, residues 412-432): KRDSYLPVGS[His422Gln]NLKAAAKAKL

ClinVar aggregate classification (germline): Uncertain significance (1 of 4 stars; one submission).

Conditions:
Hereditary cancer-predisposing syndrome. Also called: Neoplastic Syndromes, Hereditary; Tumor predisposition; Hereditary Cancer Syndrome; Hereditary neoplastic syndrome. Identifiers: Orphanet 140162, MedGen C0027672, MeSH D009386, MONDO:0015356.

Submission:

Ambry Genetics
Classification: Uncertain significance for Hereditary cancer-predisposing syndrome. Last evaluated: 2021-03-04. Review status: criteria provided, single submitter. Criteria: Ambry Variant Classification Scheme 2023. Collection method: clinical testing. Allele origin: germline.
Comment: The p.H422Q variant (also known as c.1266T>A), located in coding exon 13 of the POLE gene, results from a T to A substitution at nucleotide position 1266. The histidine at codon 422 is replaced by glutamine, an amino acid with highly similar properties. This amino acid position is highly conserved in available vertebrate species. In addition, this alteration is predicted to be tolerated by in silico analysis. Since supporting evidence is limited at this time, the clinical significance of this alteration remains unclear.